The following is an entry in ClinVar:

ClinVar aggregate classification (germline): Uncertain significance (1 of 4 stars; one submission).

Conditions:
Epilepsy, childhood absence, susceptibility to, 1. Also called: Epilepsy, childhood absence 1. Identifiers: Orphanet 64280, MedGen C1838604, MONDO:0020759, OMIM 600131.
Epilepsy, childhood absence, susceptibility to, 5. Identifiers: Orphanet 64280, MedGen C2677087, MONDO:0012843, OMIM 612269.

gnomAD v4.1: 1 of 1,614,082 alleles (0.000062%); highest among the groups gnomAD compares: Admixed American, 0.0017%; no homozygotes.

Submission:

Labcorp Genetics (formerly Invitae), Labcorp
Classification: Uncertain significance for Epilepsy, childhood absence, susceptibility to, 5; Epilepsy, childhood absence, susceptibility to, 1. Last evaluated: 2025-09-27. Review status: criteria provided, single submitter. Criteria: Invitae Variant Classification Sherloc (09022015). Collection method: clinical testing. Allele origin: germline.
Comment: This sequence change replaces alanine, which is neutral and non-polar, with aspartic acid, which is acidic and polar, at codon 347 of the GABRB3 protein (p.Ala347Asp). This variant is not present in population databases (gnomAD no frequency). This variant has not been reported in the literature in individuals affected with GABRB3-related conditions. Invitae Evidence Modeling of protein sequence and biophysical properties (such as structural, functional, and spatial information, amino acid conservation, physicochemical variation, residue mobility, and thermodynamic stability) indicates that this missense variant is not expected to disrupt GABRB3 protein function with a negative predictive value of 95%. In summary, the available evidence is currently insufficient to determine the role of this variant in disease. Therefore, it has been classified as a Variant of Uncertain Significance.

NM_000814.6(GABRB3):c.1040C>A (p.Ala347Asp)

Gene: GABRB3 (gamma-aminobutyric acid type A receptor subunit beta3; minus strand). Cytogenetic location: 15q12.
Variant type: single nucleotide variant.
Coding change: c.1040C>A on transcript NM_000814.6 (MANE Select); coding-DNA position 1040, C replaced by A.
Protein change: p.Ala347Asp; replaces alanine 347 with aspartic acid.
Molecular consequence: missense variant.
Genome position (GRCh38, 1-based): chr15:26,560,972, G>T on the plus strand (C>A on the coding strand, the complement: GABRB3 is on the minus strand). VCF-style: chr15-26560972-G-T. GRCh37 (hg19) VCF-style: chr15-26806119-G-T.
Other names: c.785C>A, p.Ala262Asp (NM_001191320.2, NM_001278631.2); c.827C>A, p.Ala276Asp (NM_001191321.3); c.1040C>A, p.Ala347Asp (NM_021912.5); short protein forms A262D, A276D, A347D.
Identifiers: ClinVar variation 4789618 (VCV004789618.1).